The following is an entry in ClinVar:

NM_004656.4(BAP1):c.738T>C (p.His246=)

Gene: BAP1 (BRCA1 associated deubiquitinase 1; minus strand). Cytogenetic location: 3p21.1.
Variant type: single nucleotide variant.
Coding change: c.738T>C on transcript NM_004656.4 (MANE Select); coding-DNA position 738, T replaced by C.
Protein change: p.His246=; no amino-acid change (histidine 246 retained).
Molecular consequence: synonymous variant.
Genome position (GRCh38, 1-based): chr3:52,406,298, A>G on the plus strand (T>C on the coding strand, the complement: BAP1 is on the minus strand). VCF-style: chr3-52406298-A-G. GRCh37 (hg19) VCF-style: chr3-52440314-A-G.
Identifiers: ClinVar variation 472713 (VCV000472713.21), dbSNP rs373722238, ClinGen allele CA74743197.

ClinVar aggregate classification (germline): Benign/Likely benign. Review status: criteria provided, multiple submitters, no conflicts (2 of 4 stars). 6 submissions from 6 submitters: Benign (1); Likely benign (5). Last evaluated 2026-01-05.

Conditions:
Hereditary cancer-predisposing syndrome. Also called: Neoplastic Syndromes, Hereditary; Tumor predisposition; Hereditary Cancer Syndrome; Hereditary neoplastic syndrome. Identifiers: Orphanet 140162, MedGen C0027672, MeSH D009386, MONDO:0015356.
BAP1-related tumor predisposition syndrome (TPDS1). Also called: BAP1 tumor predisposition syndrome; COMMON Syndrome; TUMOR PREDISPOSITION SYNDROME 1; Tumor susceptibility linked to germline BAP1 mutations. Identifiers: Orphanet 289539, MedGen C3280492, MONDO:0013692, OMIM 614327.

Allele frequency attached by ClinVar (database versions not stated): gnomAD exomes below 0.00001; gnomAD 0.00002; TOPMed 0.00003; ESP Exome Variant Server 0.00008.
gnomAD v4.1: 6 of 1,614,086 alleles (0.00037%); highest among the groups gnomAD compares: South Asian, 0.0022%; no homozygotes.

Submissions (6):

Labcorp Genetics (formerly Invitae), Labcorp
Classification: Likely benign for BAP1-related tumor predisposition syndrome. Last evaluated: 2026-01-05. Review status: criteria provided, single submitter. Criteria: Invitae Variant Classification Sherloc (09022015). Collection method: clinical testing. Allele origin: germline.

Quest Diagnostics Nichols Institute San Juan Capistrano
Classification: Likely benign. Last evaluated: 2024-12-20. Review status: criteria provided, single submitter. Criteria: Quest Diagnostics criteria. Collection method: clinical testing. Allele origin: unknown.

Myriad Genetics, Inc.
Classification: Benign for BAP1-related tumor predisposition syndrome. Last evaluated: 2024-07-15. Review status: criteria provided, single submitter. Criteria: Myriad Autosomal Dominant, Autosomal Recessive and X-Linked Classification Criteria (2023). Collection method: clinical testing. Allele origin: unknown.
Comment: This variant is considered benign. This variant is a silent/synonymous amino acid change and it is not expected to impact splicing.

GeneDx
Classification: Likely benign. Last evaluated: 2020-03-17. Review status: criteria provided, single submitter. Criteria: GeneDx Variant Classification Process June 2021. Collection method: clinical testing. Allele origin: germline. Affected: yes.

Color Diagnostics, LLC DBA Color Health
Classification: Likely benign for Hereditary cancer-predisposing syndrome. Last evaluated: 2017-02-02. Review status: criteria provided, single submitter. Criteria: ACMG Guidelines, 2015. Collection method: clinical testing. Allele origin: germline.

Ambry Genetics
Classification: Likely benign for Hereditary cancer-predisposing syndrome. Last evaluated: 2015-09-21. Review status: criteria provided, single submitter. Criteria: Ambry Variant Classification Scheme 2023. Collection method: clinical testing. Allele origin: germline.